The following is an entry in ClinVar:

NM_000441.2(SLC26A4):c.1149+1G>T

Gene: SLC26A4 (solute carrier family 26 member 4; plus strand). Cytogenetic location: 7q22.3.
Variant type: single nucleotide variant.
Coding change: c.1149+1G>T on transcript NM_000441.2 (MANE Select); the canonical splice donor site of the intron after coding-DNA position 1149, G replaced by T.
Molecular consequence: splice donor variant.
Genome position (GRCh38, 1-based): chr7:107,689,201, G>T. VCF-style: chr7-107689201-G-T. GRCh37 (hg19) VCF-style: chr7-107329646-G-T.
Identifiers: ClinVar variation 3075851 (VCV003075851.2), dbSNP rs2535317969, ClinGen allele CA368838974.

ClinVar aggregate classification (germline): Pathogenic/Likely pathogenic. Review status: criteria provided, multiple submitters, no conflicts (2 of 4 stars). 2 submissions from 2 submitters: Pathogenic (1); Likely pathogenic (1). Last evaluated 2025-01-09.

Conditions:
Rare genetic deafness. Identifiers: Orphanet 96210, MedGen C5680250.
Autosomal recessive nonsyndromic hearing loss 4 (DFNB4). Also called: Deafness, autosomal recessive 4; Enlarged vestibular aqueduct, digenic; FOXI1-Related Pendred Syndrome; KCNJ10-Related Pendred Syndrome; DEAFNESS, AUTOSOMAL RECESSIVE 4, WITH ENLARGED VESTIBULAR AQUEDUCT, DIGENIC; NEUROSENSORY NONSYNDROMIC RECESSIVE DEAFNESS 4. Identifiers: Orphanet 90636, MedGen C3538946, MONDO:0010933, OMIM 600791.

Submissions (2):

Institute of Rare Diseases, West China Hospital, Sichuan University
Classification: Pathogenic for Autosomal recessive nonsyndromic hearing loss 4. Last evaluated: 2025-01-09. Review status: criteria provided, single submitter. Criteria: ClinGen HL ACMG Specifications v1. Collection method: research. Allele origin: germline. Affected: yes.
Comment: PVS1;PM3;PP4;PM2_Supporting

Laboratory for Molecular Medicine, Mass General Brigham Personalized Medicine
Classification: Likely pathogenic for Rare genetic deafness. Last evaluated: 2022-06-23. Review status: criteria provided, single submitter. Criteria: ACMG Guidelines, 2015. Collection method: clinical testing. Allele origin: germline.
Comment: The c.1149+1G>T variant in SLC26A4 has not been previously reported in individuals with Pendred syndrome and was absent from large population studies. This variant occurs within the canonical splice site (+/- 1,2) and is predicted to cause altered splicing leading to an abnormal or absent protein. Loss of function of the SLC26A4 gene is an established disease mechanism in autosomal recessive Pendred syndrome. In summary, although additional studies are required to fully establish its clinical significance, this variant meets criteria to be classified as likely pathogenic for autosomal recessive nonsydnromic hearing loss with Pendred syndrome. ACMG/AMP criteria applied: PVS1, PM2_Supporting.